The following is an entry in ClinVar:

NM_001374385.1(ATP8B1):c.1729A>G (p.Ile577Val)

Gene: ATP8B1 (ATPase phospholipid transporting 8B1; minus strand). Cytogenetic location: 18q21.31.
Variant type: single nucleotide variant.
Coding change: c.1729A>G on transcript NM_001374385.1 (MANE Select); coding-DNA position 1729, A replaced by G.
Protein change: p.Ile577Val; replaces isoleucine 577 with valine.
Molecular consequence: missense variant.
Genome position (GRCh38, 1-based): chr18:57,674,924, T>C on the plus strand (A>G on the coding strand, the complement: ATP8B1 is on the minus strand). VCF-style: chr18-57674924-T-C. GRCh37 (hg19) VCF-style: chr18-55342156-T-C.
Other names: c.1579A>G, p.Ile527Val (NM_001374386.1); c.1729A>G, p.Ile577Val (NM_005603.6); short protein forms I577V, I527V.
Identifiers: ClinVar variation 259816 (VCV000259816.22), dbSNP rs3745078, ClinGen allele CA8974491.

ClinVar aggregate classification (germline): Benign. Review status: criteria provided, multiple submitters, no conflicts (2 of 4 stars). 8 submissions from 8 submitters: Benign (8). Last evaluated 2026-04-14.

Conditions:
Familial intrahepatic cholestasis. Identifiers: Orphanet 284385, MedGen CN296401, MONDO:0017290.
Progressive familial intrahepatic cholestasis type 1. Also called: BYLER DISEASE; Byler's disease; Severe ATP8B1 Deficiency (Progressive Familial Intrahepatic Cholestasis Type 1 [PFIC1]). Identifiers: Orphanet 79306, MedGen C4551898, MONDO:0008892, OMIM 211600.

Allele frequency attached by ClinVar (database versions not stated): ESP Exome Variant Server 0.00015; gnomAD 0.00135 and 0.00214; gnomAD exomes 0.00199 and 0.00484; TOPMed 0.00204; ExAC 0.00470; 1000 Genomes Project 30x 0.01062; 1000 Genomes Project 0.01258.
gnomAD v4.1: 3,253 of 1,614,232 alleles (0.2%); highest among the groups gnomAD compares: East Asian, 5%; 80 homozygotes.

Submissions (8):

Genomenon, Inc
Classification: Benign for Familial intrahepatic cholestasis. Last evaluated: 2026-04-14. Review status: criteria provided, single submitter. Criteria: Genomenon Sequence Variant Interpretation Standards - Updated. Collection method: curation. Allele origin: germline. Affected: no.
Comment: ATP8B1 p.Ile577Val (c.1729A>G) is a missense variant that changes the amino acid at residue 577 from Isoleucine to Valine. In silico models predict that this variant is not damaging. This variant is present at high allele frequency in population databases. In conclusion, we classify ATP8B1 p.Ile577Val (c.1729A>G) as a benign variant.

Labcorp Genetics (formerly Invitae), Labcorp
Classification: Benign. Last evaluated: 2026-02-04. Review status: criteria provided, single submitter. Criteria: Invitae Variant Classification Sherloc (09022015). Collection method: clinical testing. Allele origin: germline.

Dubai Health Genomic Medicine Center, Dubai Health
Classification: Benign. Last evaluated: 2020-01-08. Review status: criteria provided, single submitter. Criteria: ACMG Guidelines, 2015. Collection method: clinical testing. Allele origin: germline. Affected: yes.

Illumina Laboratory Services, Illumina
Classification: Benign for Progressive familial intrahepatic cholestasis type 1. Last evaluated: 2018-01-13. Review status: criteria provided, single submitter. Criteria: ICSL Variant Classification Criteria 13 December 2019. Collection method: clinical testing. Allele origin: germline.
Comment: This variant was observed in the ICSL laboratory as part of a predisposition screen in an ostensibly healthy population. It had not been previously curated by ICSL or reported in the Human Gene Mutation Database (HGMD: prior to June 1st, 2018), and was therefore a candidate for classification through an automated scoring system. Utilizing variant allele frequency, disease prevalence and penetrance estimates, and inheritance mode, an automated score was calculated to assess if this variant is too frequent to cause the disease. Based on the score and internal cut-off values, a variant classified as benign is not then subjected to further curation. The score for this variant resulted in a classification of benign for this disease.

GeneDx
Classification: Benign. Last evaluated: 2017-01-06. Review status: criteria provided, single submitter. Criteria: GeneDx Variant Classification (06012015). Collection method: clinical testing. Allele origin: germline. Affected: yes.
Comment: This variant is considered likely benign or benign based on one or more of the following criteria: it is a conservative change, it occurs at a poorly conserved position in the protein, it is predicted to be benign by multiple in silico algorithms, and/or has population frequency not consistent with disease.

Eurofins Ntd Llc (ga)
Classification: Benign. Last evaluated: 2015-10-05. Review status: criteria provided, single submitter. Criteria: EGL Classification Definitions 2015. Collection method: clinical testing. Allele origin: germline. Observed: 1 variant allele, 1 heterozygote.

Breakthrough Genomics
Classification: Benign. Review status: criteria provided, single submitter. Criteria: ACMG Guidelines, 2015. Collection method: not provided. Allele origin: germline. Inheritance: Autosomal recessive inheritance. Affected: yes.

PreventionGenetics, part of Exact Sciences
Classification: Benign. Review status: criteria provided, single submitter. Criteria: ACMG Guidelines, 2015. Collection method: clinical testing. Allele origin: germline.